The following is an entry in ClinVar:

NM_000133.4(F9):c.1136G>A (p.Arg379Gln)

Gene: F9 (coagulation factor IX; plus strand). Cytogenetic location: Xq27.1.
Variant type: single nucleotide variant.
Coding change: c.1136G>A on transcript NM_000133.4 (MANE Select); coding-DNA position 1136, G replaced by A.
Protein change: p.Arg379Gln; replaces arginine 379 with glutamine.
Molecular consequence: missense variant.
Genome position (GRCh38, 1-based): chrX:139,561,821, G>A. VCF-style: chrX-139561821-G-A. GRCh37 (hg19) VCF-style: chrX-138643980-G-A.
Other names: F9, ARG333GLN; R333Q; c.1022G>A, p.Arg341Gln (NM_001313913.2); short protein forms R341Q.
Identifiers: ClinVar variation 10613 (VCV000010613.22), dbSNP rs137852259, ClinGen allele CA255394.

ClinVar aggregate classification (germline): Pathogenic. Review status: criteria provided, multiple submitters, no conflicts (2 of 4 stars). 8 submissions from 8 submitters: Pathogenic (7). 1 of the submissions does not count toward it. Last evaluated 2026-02-26.

Conditions:
F9-related disorders.
F9-related disorder. Also called: F9-related condition.
Hereditary factor IX deficiency disease (HEMB). Also called: Christmas Disease; PLASMA THROMBOPLASTIN COMPONENT DEFICIENCY; F9 DEFICIENCY; FACTOR IX DEFICIENCY; Hemophilia B. Identifiers: Orphanet 98879, MedGen C0008533, MeSH D002836, MONDO:0010604, OMIM 306900.
Thrombophilia, X-linked, due to factor 9 defect. Identifiers: MedGen C2749016, MONDO:0010432, OMIM 300807.
Hereditary factor VIII deficiency disease (HEMA). Also called: AUTOSOMAL HEMOPHILIA A; Hemophilia A; HEMOPHILIA, CLASSIC; Hemophilia A, congenital; HEM A; Factor 8 deficiency, congenital. Identifiers: Orphanet 98878, MedGen C0019069, MONDO:0010602, OMIM 306700.

Allele frequency attached by ClinVar (database versions not stated): gnomAD exomes below 0.00001; TOPMed 0.00002.
gnomAD v4.1: 1 of 1,211,705 alleles (0.000083%); highest among the groups gnomAD compares: Non-Finnish European, 0.00011%; no homozygotes.

Submissions (8):

GeneDx
Classification: Pathogenic. Last evaluated: 2026-02-26. Review status: criteria provided, single submitter. Criteria: GeneDx Variant Classification Process June 2021. Collection method: clinical testing. Allele origin: germline.
Comment: In silico analysis supports that this missense variant has a deleterious effect on protein structure/function; Not observed at significant frequency in large population cohorts (gnomAD); Also known as p.R333Q; This variant is associated with the following publications: (PMID: 34590426, 31064749, 23683414, 29274203, 34272389, 28270892, 37445943, 15178576, 38783919, 34626083, 33760382, 28193338, 3181127, 17066096, 2270538, 8257988, 30992271, 27766048, 10373456, 30771412, 22639855, 19699296)

PreventionGenetics, part of Exact Sciences
Classification: Pathogenic for F9-related condition. Last evaluated: 2025-06-06. Review status: criteria provided, single submitter. Criteria: ACMG Guidelines, 2015. Collection method: clinical testing. Allele origin: germline.
Comment: The F9 c.1136G>A variant is predicted to result in the amino acid substitution p.Arg379Gln. This variant has been reported in many patients to be causative for hemophilia B (see the Factor IX Gene (F9) Variant Database; and Hamasaki-Katagiri et al. 2012. PubMed ID: 22639855). This variant has not been reported in a large population database (gnomad), indicating this variant is rare. This variant is interpreted as pathogenic.

Labcorp Genetics (formerly Invitae), Labcorp
Classification: Pathogenic for Thrombophilia, X-linked, due to factor 9 defect; Hereditary factor IX deficiency disease. Last evaluated: 2024-11-21. Review status: criteria provided, single submitter. Criteria: Invitae Variant Classification Sherloc (09022015). Collection method: clinical testing. Allele origin: germline.
Comment: This sequence change replaces arginine, which is basic and polar, with glutamine, which is neutral and polar, at codon 379 of the F9 protein (p.Arg379Gln). This variant is not present in population databases (gnomAD no frequency). This missense change has been observed in individuals with hemophilia B (PMID: 22639855). This variant is also known as p.Arg333Gln. ClinVar contains an entry for this variant (Variation ID: 10613). Invitae Evidence Modeling of protein sequence and biophysical properties (such as structural, functional, and spatial information, amino acid conservation, physicochemical variation, residue mobility, and thermodynamic stability) indicates that this missense variant is not expected to disrupt F9 protein function with a negative predictive value of 80%. This variant disrupts the p.Arg379 amino acid residue in F9. Other variant(s) that disrupt this residue have been determined to be pathogenic (PMID: 19699296). This suggests that this residue is clinically significant, and that variants that disrupt this residue are likely to be disease-causing. For these reasons, this variant has been classified as Pathogenic.

Women's Health and Genetics/Laboratory Corporation of America, LabCorp
Classification: Pathogenic for Hereditary factor IX deficiency disease. Last evaluated: 2022-11-11. Review status: criteria provided, single submitter. Criteria: LabCorp Variant Classification Summary - May 2015. Collection method: clinical testing. Allele origin: germline.
Comment: Variant summary: F9 c.1136G>A (p.Arg379Gln) results in a conservative amino acid change located in the Trypsin-like serine protease domain of the encoded protein sequence. Three of five in-silico tools predict a benign effect of the variant on protein function, while two tools predict the variant to be damaging or disease-causing. The variant was absent in 183173 control chromosomes. c.1136G>A has been reported in the literature in multiple individuals affected with Factor IX Deficiency (Hemophilia B) (e.g. Hamasaki-Katagiri_2012, Yu_2012, Agrawal_2022). These data indicate that the variant is very likely to be associated with disease. At least two publications report experimental evidence evaluating an impact on protein function (e.g. Jin_2004, Mathur_1999). The most pronounced variant effect results in <10% of normal activity. Three clinical diagnostic laboratories have submitted clinical-significance assessments for this variant to ClinVar after 2014, and all laboratories classified the variant as pathogenic. Based on the evidence outlined above, the variant was classified as pathogenic.

Blueprint Genetics
Classification: Pathogenic for F9-related disorders. Last evaluated: 2022-01-31. Review status: criteria provided, single submitter. Criteria: ACMG Guidelines, 2015. Collection method: clinical testing. Allele origin: germline. Affected: yes. Observed: 3 variant alleles.

NIHR Bioresource Rare Diseases, University of Cambridge
Classification: Pathogenic for Hereditary factor VIII deficiency disease. Last evaluated: 2019-02-01. Review status: criteria provided, single submitter. Criteria: ACMG Guidelines, 2015. Collection method: research. Allele origin: unknown. Affected: yes. Observed: 1 hemizygote. Study: ThromboGenomics.

ARUP Laboratories, Molecular Genetics and Genomics, ARUP Laboratories
Classification: Pathogenic. Last evaluated: 2018-08-26. Review status: criteria provided, single submitter. Criteria: ARUP Molecular Germline Variant Investigation Process. Collection method: clinical testing. Allele origin: germline.
Comment: The F9 c.1136G>A; p.Arg379Gln variant (rs137852259), also known as p.Arg333Gln or 31119G>A in traditional nomenclature, is reported in the literature in multiple individuals and families affected with moderate to severe hemophilia B (Chavali 2009, Hamasaki-Katagiri 2012, Lin 2018, Factor IX database and references therein). This variant is reported in ClinVar (Variation ID: 10613), and is absent from general population databases (1000 Genomes Project, Exome Variant Server, and Genome Aggregation Database), indicating it is not a common polymorphism. Additionally, other variants at this codon (p.Arg379Gly/Pro/Leu) have been reported in individuals with moderate to severe hemophilia B (Factor IX database and references therein). The arginine at codon 379 is highly conserved, but computational analyses (SIFT, PolyPhen-2) predict that this variant is tolerated. Based on available information, this variant is considered to be pathogenic. References: Link to Factor IX database: Chavali S et al. Hemophilia B is a quasi-quantitative condition with certain mutations showing phenotypic plasticity. Genomics. 2009 Dec;94(6):433-7. Hamasaki-Katagiri N et al. Analysis of F9 point mutations and their correlation to severity of haemophilia B disease. Haemophilia. 2012 Nov;18(6):933-40. Lin XY et al. Establishing a comprehensive genetic diagnosis strategy for hemophilia B and its application in Chinese population. Int J Lab Hematol. 2018 Apr;40(2):215-228.

OMIM
Classification: Pathogenic for HEMOPHILIA B. Last evaluated: 1988-10-01. Review status: no assertion criteria provided. Collection method: literature only. Allele origin: germline. Not counted in ClinVar's aggregate classification.

Literature cited by the submitters: PubMed 22639855 (cited by Labcorp Genetics (formerly Invitae), Labcorp and Women's Health and Genetics/Laboratory Corporation of America, LabCorp); PubMed 19699296 (cited by Labcorp Genetics (formerly Invitae), Labcorp and Women's Health and Genetics/Laboratory Corporation of America, LabCorp); PubMed 34272389 (cited by Women's Health and Genetics/Laboratory Corporation of America, LabCorp); PubMed 34590426 (cited by Women's Health and Genetics/Laboratory Corporation of America, LabCorp); PubMed 15178576 (cited by Women's Health and Genetics/Laboratory Corporation of America, LabCorp); PubMed 10373456 (cited by Women's Health and Genetics/Laboratory Corporation of America, LabCorp); PubMed 28193338 (cited by Women's Health and Genetics/Laboratory Corporation of America, LabCorp); PubMed 31064749 (cited by NIHR Bioresource Rare Diseases, University of Cambridge); PubMed 3181127 (cited by OMIM).